The following is an entry in ClinVar:

NM_007294.4(BRCA1):c.3078T>G (p.Ile1026Met)

Gene: BRCA1 (BRCA1 DNA repair associated; minus strand). Cytogenetic location: 17q21.31.
Variant type: single nucleotide variant.
Coding change: c.3078T>G on transcript NM_007294.4 (MANE Select); coding-DNA position 3078, T replaced by G.
Protein change: p.Ile1026Met; replaces isoleucine 1026 with methionine.
Molecular consequence: missense variant. On other transcripts: intron variant (137).
Genome position (GRCh38, 1-based): chr17:43,092,453, A>C on the plus strand (T>G on the coding strand, the complement: BRCA1 is on the minus strand). VCF-style: chr17-43092453-A-C. GRCh37 (hg19) VCF-style: chr17-41244470-A-C.
Other names: c.3075T>G, p.Ile1025Met (NM_001407611.1, NM_001407612.1, NM_001407613.1 and 22 more transcripts); c.3078T>G, p.Ile1026Met (NM_001407616.1, NM_001407617.1, NM_001407618.1 and 30 more transcripts); c.3069T>G, p.Ile1023Met (NM_001407646.1, NM_001407647.1); c.2955T>G, p.Ile985Met (NM_001407648.1, NM_001407664.1, NM_001407665.1 and 19 more transcripts); c.2952T>G, p.Ile984Met (NM_001407649.1, NM_001407670.1, NM_001407671.1 and 11 more transcripts); c.3000T>G, p.Ile1000Met (NM_001407653.1, NM_001407654.1, NM_001407655.1 and 4 more transcripts); c.2997T>G, p.Ile999Met (NM_001407659.1, NM_001407660.1, NM_001407661.1 and 1 more transcripts); c.2937T>G, p.Ile979Met (NM_001407692.1, NM_001407694.1, NM_001407730.1 and 29 more transcripts); and 41 more; short protein forms I1026M, I979M, I1023M, I1025M, I858M, I937M, I985M, I999M.
Identifiers: ClinVar variation 433704 (VCV000433704.16), dbSNP rs1555588422, ClinGen allele CA10595833.

ClinVar aggregate classification (germline): Conflicting classifications of pathogenicity. Review status: criteria provided, conflicting classifications (1 of 4 stars). 5 submissions from 5 submitters: Uncertain significance (3); Likely benign (1). 1 of the submissions does not count toward it. Last evaluated 2025-02-24.

Conditions:
Hereditary breast ovarian cancer syndrome. Also called: Hereditary breast and ovarian cancer syndrome (HBOC); BRCA1- and BRCA2-Associated Hereditary Breast and Ovarian Cancer; Hereditary breast and/or ovarian cancer syndrome; Hereditary breast and ovarian cancer syndrome; Hereditary breast and ovarian cancer; Breast and ovarian cancer. Identifiers: Orphanet 145, MedGen C0677776, MeSH D061325, MONDO:0003582. Disease mechanism: loss of function.
Hereditary cancer-predisposing syndrome. Also called: Neoplastic Syndromes, Hereditary; Hereditary neoplastic syndrome; Tumor predisposition; Hereditary Cancer Syndrome. Identifiers: Orphanet 140162, MedGen C0027672, MeSH D009386, MONDO:0015356.
Breast-ovarian cancer, familial, susceptibility to, 1 (BROVCA1). Also called: BRCA1 Hereditary Breast and Ovarian Cancer; OVARIAN CANCER, SUSCEPTIBILITY TO. Identifiers: Orphanet 145, MedGen C2676676, MONDO:0011450, OMIM 604370. Disease mechanism: loss of function.

Submissions (5):

Labcorp Genetics (formerly Invitae), Labcorp
Classification: Uncertain significance for Hereditary breast ovarian cancer syndrome. Last evaluated: 2025-02-24. Review status: criteria provided, single submitter. Criteria: Invitae Variant Classification Sherloc (09022015). Collection method: clinical testing. Allele origin: germline.
Comment: This sequence change replaces isoleucine, which is neutral and non-polar, with methionine, which is neutral and non-polar, at codon 1026 of the BRCA1 protein (p.Ile1026Met). This variant is not present in population databases (gnomAD no frequency). This variant has not been reported in the literature in individuals affected with BRCA1-related conditions. ClinVar contains an entry for this variant (Variation ID: 433704). An algorithm developed to predict the effect of missense changes on protein structure and function outputs the following: PolyPhen-2: "Benign". The methionine amino acid residue is found in multiple mammalian species, which suggests that this missense change does not adversely affect protein function. In summary, the available evidence is currently insufficient to determine the role of this variant in disease. Therefore, it has been classified as a Variant of Uncertain Significance.

University of Washington Department of Laboratory Medicine, University of Washington
Classification: Likely benign for Hereditary cancer-predisposing syndrome. Last evaluated: 2023-03-23. Review status: criteria provided, single submitter. Criteria: Dines et al. (Genet Med. 2020). Collection method: curation. Allele origin: germline.
Comment: Missense variant in a coldspot region where missense variants are very unlikely to be pathogenic (PMID:31911673).

BRCA1 coldspot (exon 11 using historical exon numbering). Reclassification based on statistical prior probability

Ambry Genetics
Classification: Uncertain significance for Hereditary cancer-predisposing syndrome. Last evaluated: 2019-11-15. Review status: criteria provided, single submitter. Criteria: Ambry Variant Classification Scheme 2023. Collection method: clinical testing. Allele origin: germline.
Comment: The p.I1026M variant (also known as c.3078T>G), located in coding exon 9 of the BRCA1 gene, results from a T to G substitution at nucleotide position 3078. The isoleucine at codon 1026 is replaced by methionine, an amino acid with highly similar properties. This amino acid position is not well conserved in available vertebrate species. In addition, the in silico prediction for this alteration is inconclusive. Since supporting evidence is limited at this time, the clinical significance of this alteration remains unclear.

Color Diagnostics, LLC DBA Color Health
Classification: Uncertain significance for Hereditary cancer-predisposing syndrome. Last evaluated: 2019-06-15. Review status: criteria provided, single submitter. Criteria: ACMG Guidelines, 2015. Collection method: clinical testing. Allele origin: germline.

Department of Pathology and Laboratory Medicine, Sinai Health System
Classification: Uncertain significance for Breast-ovarian cancer, familial, susceptibility to, 1. Review status: no assertion criteria provided. Collection method: clinical testing. Allele origin: unknown. Affected: yes. Study: The Canadian Open Genetics Repository (COGR). Not counted in ClinVar's aggregate classification.
Comment: The BRCA1 p.Ile1026Met variant was not identified in the literature, nor was it identified in the dbSNP, NHLBI Exome Sequencing Project (Exome Variant Server), Exome Aggregation Consortium (ExAC), HGMD, LOVD, COSMIC, ClinVar, GeneInsight VariantWire, BIC or UMD. The p.Ile1026 residue is not conserved in mammals and four out of five computational analyses (PolyPhen-2, SIFT, AlignGVGD, BLOSUM, MutationTaster) do not suggest a high likelihood of impact to the protein. However, this information is not predictive enough to rule out pathogenicity. The variant occurs outside of the splicing consensus sequence and 1 of 5 in silico or computational prediction software programs (SpliceSiteFinder, MaxEntScan, NNSPLICE, GeneSplicer, HumanSpliceFinder) predict a greater than 10% difference in splicing; this is not very predictive of pathogenicity. In summary, based on the above information, the clinical significance of this variant cannot be determined with certainty at this time. This variant is classified as a variant of unknown significance.